The following is an entry in ClinVar:

NM_002529.4(NTRK1):c.2209A>G (p.Ile737Val)

Gene: NTRK1 (neurotrophic receptor tyrosine kinase 1; plus strand). Cytogenetic location: 1q23.1.
Variant type: single nucleotide variant.
Coding change: c.2209A>G on transcript NM_002529.4 (MANE Select); coding-DNA position 2209, A replaced by G.
Protein change: p.Ile737Val; replaces isoleucine 737 with valine.
Molecular consequence: missense variant.
Genome position (GRCh38, 1-based): chr1:156,881,460, A>G. VCF-style: chr1-156881460-A-G. GRCh37 (hg19) VCF-style: chr1-156851252-A-G.
Other names: c.2101A>G, p.Ile701Val (NM_001007792.1); c.2191A>G, p.Ile731Val (NM_001012331.2); short protein forms I701V, I731V, I737V.
Identifiers: ClinVar variation 4747086 (VCV004747086.1).

ClinVar aggregate classification (germline): Uncertain significance (1 of 4 stars; one submission).

Conditions:
Hereditary insensitivity to pain with anhidrosis (CIPA). Also called: NEUROPATHY, CONGENITAL SENSORY, WITH ANHIDROSIS; hereditary sensory and autonomic neuropathy type 4; NTRK1 Congenital Insensitivity to Pain with Anhidrosis; INSENSITIVITY TO PAIN, CONGENITAL, WITH ANHIDROSIS; FAMILIAL DYSAUTONOMIA, TYPE II; HSAN Type IV. Identifiers: Orphanet 642, MedGen C0020074, MONDO:0009746, OMIM 256800.

Submission:

Labcorp Genetics (formerly Invitae), Labcorp
Classification: Uncertain significance for Hereditary insensitivity to pain with anhidrosis. Last evaluated: 2026-01-14. Review status: criteria provided, single submitter. Criteria: Invitae Variant Classification Sherloc (09022015). Collection method: clinical testing. Allele origin: germline.
Comment: This sequence change replaces isoleucine, which is neutral and non-polar, with valine, which is neutral and non-polar, at codon 731 of the NTRK1 protein (p.Ile731Val). This variant is not present in population databases (gnomAD no frequency). This variant has not been reported in the literature in individuals affected with NTRK1-related conditions. Invitae Evidence Modeling of protein sequence and biophysical properties (such as structural, functional, and spatial information, amino acid conservation, physicochemical variation, residue mobility, and thermodynamic stability) indicates that this missense variant is not expected to disrupt NTRK1 protein function with a negative predictive value of 95%. Algorithms developed to predict the effect of sequence changes on RNA splicing suggest that this variant may create or strengthen a splice site. In summary, the available evidence is currently insufficient to determine the role of this variant in disease. Therefore, it has been classified as a Variant of Uncertain Significance.